The following is an entry in ClinVar:

ClinVar aggregate classification (germline): Likely benign (0 of 4 stars; one submission).

Conditions:
OTOG-related disorder. Also called: OTOG-related condition.

Submission:

PreventionGenetics, part of Exact Sciences
Classification: Likely benign for OTOG-related condition. Last evaluated: 2022-10-22. Review status: no assertion criteria provided. Collection method: clinical testing. Allele origin: germline.
Comment: This variant is classified as likely benign based on ACMG/AMP sequence variant interpretation guidelines (Richards et al. 2015 PMID: 25741868, with internal and published modifications).

NM_001292063.2(OTOG):c.2606-8_2606-4del

Gene: OTOG (otogelin; plus strand). Cytogenetic location: 11p15.1.
Variant type: Microsatellite.
Coding change: c.2606-8_2606-4del on transcript NM_001292063.2 (MANE Select); 8 bases into the intron before coding-DNA position 2606 through 4 bases into the intron before coding-DNA position 2606, 5 bases deleted (TCTTC; older notation c.2606-8_2606-4delTCTTC).
Molecular consequence: intron variant.
Genome position (GRCh38, 1-based): chr11:17,578,365-17,578,369, TCTTC deleted; deleting any 5 consecutive bases within chr11:17,578,360-17,578,369 gives the same sequence; the c. name uses the placement nearest the transcript's 3' end. VCF-style (leftmost placement, unchanged base first): chr11-17578359-TTCTTC-T. GRCh37 (hg19) VCF-style: chr11-17599906-TTCTTC-T.
Other names: c.2642-8_2642-4del (NM_001277269.2).
Identifiers: ClinVar variation 3045167 (VCV003045167.2), dbSNP rs2497437366, ClinGen allele CA2740093648.
Genomic context (GRCh38, chr11:17,578,359, plus strand): 5'-CAGCTGCTGCCCCTGTAGCCCAGGAGCCCATACTGAGGCCCCAGGGCCTCCGCTCCCATC[TTCTTC>T]TCTTCCAGCTGCTGCCTGCCCAGCAGGCCAGGTCTTCGTGAACTGCAGCGACCTGCACAC-3'